The following is an entry in ClinVar:

ClinVar aggregate classification (germline): Uncertain significance. Review status: criteria provided, multiple submitters, no conflicts (2 of 4 stars). 2 submissions from 2 submitters: Uncertain significance (2). Last evaluated 2022-02-01.

Conditions:
Spinal muscular atrophy-progressive myoclonic epilepsy syndrome. Also called: MYOCLONUS, HEREDITARY, WITH PROGRESSIVE DISTAL MUSCULAR ATROPHY; Hereditary myoclonus and progressive distal muscular atrophy; Spinal muscular atrophy with progressive myoclonic epilepsy; Spinal Muscular Atrophy with Progressive Myoclonic Epilepsy (SMA-PME). Identifiers: Orphanet 2590, MedGen C1834569, MONDO:0008045, OMIM 159950.
Farber lipogranulomatosis (FRBRL). Also called: Farber's lipogranulomatosis; AC DEFICIENCY; ACID CERAMIDASE DEFICIENCY; CERAMIDASE DEFICIENCY; N-LAURYLSPHINGOSINE DEACYLASE DEFICIENCY; Farber's disease. Identifiers: Orphanet 333, MedGen C0268255, MONDO:0009218, OMIM 228000.

Allele frequency attached by ClinVar (database versions not stated): gnomAD 0.00001 and 0.00002; TOPMed 0.00001.
gnomAD v4.1: 4 of 1,608,888 alleles (0.00025%); highest among the groups gnomAD compares: Admixed American, 0.0017%; no homozygotes.

Submissions (3):

Labcorp Genetics (formerly Invitae), Labcorp
Classification: Uncertain significance. Last evaluated: 2022-02-01. Review status: criteria provided, single submitter. Criteria: Invitae Variant Classification Sherloc (09022015). Collection method: clinical testing. Allele origin: germline.
Comment: This sequence change replaces serine, which is neutral and polar, with cysteine, which is neutral and slightly polar, at codon 262 of the ASAH1 protein (p.Ser262Cys). This variant is present in population databases (no rsID available, gnomAD 0.0009%). This variant has not been reported in the literature in individuals affected with ASAH1-related conditions. Algorithms developed to predict the effect of missense changes on protein structure and function are either unavailable or do not agree on the potential impact of this missense change (SIFT: "Deleterious"; PolyPhen-2: "Probably Damaging"; Align-GVGD: "Class C15"). Algorithms developed to predict the effect of sequence changes on RNA splicing suggest that this variant may disrupt the consensus splice site. In summary, the available evidence is currently insufficient to determine the role of this variant in disease. Therefore, it has been classified as a Variant of Uncertain Significance.

Fulgent Genetics
Classification: Uncertain significance for Spinal muscular atrophy-progressive myoclonic epilepsy syndrome; Farber lipogranulomatosis. Last evaluated: 2021-08-31. Review status: criteria provided, single submitter. Criteria: ACMG Guidelines, 2015. Collection method: clinical testing. Allele origin: unknown.

Dr. Peter K. Rogan Lab, Western University
No classification provided (evidence only). Condition: Thyroid cancer, nonmedullary, 1. Review status: no classification provided. Collection method: in vitro. Allele origin: not applicable. Functional consequence: retained intron. Not counted in ClinVar's aggregate classification.

NM_177924.5(ASAH1):c.784A>T (p.Ser262Cys)

Gene: ASAH1 (N-acylsphingosine amidohydrolase 1; minus strand). Cytogenetic location: 8p22.
Variant type: single nucleotide variant.
Coding change: c.784A>T on transcript NM_177924.5 (MANE Select); coding-DNA position 784, A replaced by T.
Protein change: p.Ser262Cys; replaces serine 262 with cysteine.
Molecular consequence: missense variant.
Genome position (GRCh38, 1-based): chr8:18,061,378, T>A on the plus strand (A>T on the coding strand, the complement: ASAH1 is on the minus strand). VCF-style: chr8-18061378-T-A. GRCh37 (hg19) VCF-style: chr8-17918887-T-A.
Other names: c.766A>T, p.Ser256Cys (NM_001127505.3); c.589A>T, p.Ser197Cys (NM_001363743.2); c.832A>T, p.Ser278Cys (NM_004315.6); short protein forms S278C, S256C, S197C, S262C.
Identifiers: ClinVar variation 1398318 (VCV001398318.5), dbSNP rs781103974, ClinGen allele CA370429239.
Genomic context (GRCh38, chr8:18,061,378, plus strand): 5'-TTTTTTAATATGAGTAATTTAAAATAAATATTTAATAGTAAAGCAACGAAACACTTTACC[T>A]TGTGCTATTTTCCAGAACTGTTCTAGTGAGGAACCCTATCCACATGACATCTTTCTTTCC-3'
Protein context (NP_808592.2, residues 252-272): LTRTVLENST[Ser262Cys]YEEAKNLLTK